The following is an entry in ClinVar:

NM_001083962.2(TCF4):c.1243_1265dup (p.Gly423fs)

Gene: TCF4 (transcription factor 4; minus strand). Cytogenetic location: 18q21.2.
Variant type: Duplication.
Coding change: c.1243_1265dup on transcript NM_001083962.2 (MANE Select); coding-DNA positions 1243 to 1265, 23 bases duplicated (CATGGGGACATGCATGGAATCAT).
Protein change: p.Gly423fs; shifts the reading frame from glycine 423.
Molecular consequence: frameshift variant.
Genome position (GRCh38, 1-based): chr18:55,254,582-55,254,604, ATGATTCCATGCATGTCCCCATG duplicated on the plus strand (CATGGGGACATGCATGGAATCAT on the coding strand, the reverse complement: TCF4 is on the minus strand); duplicating any 23 consecutive bases within chr18:55,254,582-55,254,605 gives the same sequence; the c. name uses the placement nearest the transcript's 3' end. VCF-style (leftmost placement, unchanged base first): chr18-55254581-A-AATGATTCCATGCATGTCCCCATG. GRCh37 (hg19) VCF-style: chr18-52921812-A-AATGATTCCATGCATGTCCCCATG.
Other names: c.1549_1571dup, p.Gly525fs (NM_001243226.3); c.1171_1193dup, p.Gly399fs (NM_001243227.2, NM_001306207.1, NM_001369575.1 and 5 more transcripts); c.1261_1283dup, p.Gly429fs (NM_001243228.2); c.1234_1256dup, p.Gly420fs (NM_001243230.2); c.1117_1139dup, p.Gly381fs (NM_001243231.2, NM_001348211.2); c.1030_1052dup, p.Gly352fs (NM_001243232.1, NM_001306208.1); c.853_875dup, p.Gly293fs (NM_001243233.2, NM_001330605.3, NM_001348212.2 and 1 more transcripts); c.763_785dup, p.Gly263fs (NM_001243234.2, NM_001243235.2, NM_001243236.2 and 1 more transcripts); and 6 more; short protein forms G207fs, G262fs, G263fs, G293fs, G352fs, G381fs, G398fs, G399fs.
Identifiers: ClinVar variation 3772052 (VCV003772052.13).
Genomic context (GRCh38, chr18:55,254,581, plus strand): 5'-AAGAAGGCCGGTTCCATACCCTGAGCCCAGACCACCCATGGCTCCATTATGAGAAGGTCC[A>AATGATTCCATGCATGTCCCCATG]ATGATTCCATGCATGTCCCCATGACCACCAGGCATAGCTGTGGATGGGCCCACTGCATGG-3'

ClinVar aggregate classification (germline): Pathogenic (1 of 4 stars; one submission).

Submission:

CeGaT Center for Human Genetics Tuebingen
Classification: Pathogenic. Last evaluated: 2024-12-01. Review status: criteria provided, single submitter. Criteria: CeGaT Center For Human Genetics Tuebingen Variant Classification Criteria Version 2. Collection method: clinical testing. Allele origin: germline. Affected: yes. Observed: 1 variant allele.
Comment: TCF4: PVS1, PM2